The following is an entry in ClinVar:

ClinVar aggregate classification (germline): Likely benign (1 of 4 stars; one submission).

Allele frequency attached by ClinVar (database versions not stated): gnomAD exomes 0.00122; 1000 Genomes Project 30x 0.00047; TOPMed 0.00051; gnomAD 0.00054; 1000 Genomes Project 0.00060; ESP Exome Variant Server 0.00072; ExAC 0.00084.
gnomAD v4.1: 1,924 of 1,613,990 alleles (0.12%); highest among the groups gnomAD compares: South Asian, 0.33%; 4 homozygotes.

Submission:

CeGaT Center for Human Genetics Tuebingen
Classification: Likely benign. Last evaluated: 2026-06-01. Review status: criteria provided, single submitter. Criteria: CeGaT Center For Human Genetics Tuebingen Variant Classification Criteria Version 2. Collection method: clinical testing. Allele origin: germline. Affected: yes. Observed: 5 variant alleles.
Comment: FGFR1: PP2, BS1

NM_023110.3(FGFR1):c.936+22G>A

Gene: FGFR1 (fibroblast growth factor receptor 1; minus strand). Cytogenetic location: 8p11.23.
Variant type: single nucleotide variant.
Coding change: c.936+22G>A on transcript NM_023110.3 (MANE Select); 22 bases into the intron after coding-DNA position 936, G replaced by A.
Molecular consequence: intron variant.
Genome position (GRCh38, 1-based): chr8:38,424,487, C>T on the plus strand (G>A on the coding strand, the complement: FGFR1 is on the minus strand). VCF-style: chr8-38424487-C-T. GRCh37 (hg19) VCF-style: chr8-38282005-C-T.
Other names: c.663+22G>A (NM_001354368.2, NM_001354370.2, NM_023106.3); c.669+22G>A (NM_023105.3, NM_001174066.2); c.930+22G>A (NM_001354367.2, NM_015850.4, NM_001354369.2 and 2 more transcripts); c.936+22G>A (NM_001174063.2); c.912+22G>A (NM_001174064.2); c.1029+22G>A (NM_001174067.2).
Identifiers: ClinVar variation 2499072 (VCV002499072.28), dbSNP rs202074528, ClinGen allele CA4718619.